The following is an entry in ClinVar:

NM_007294.4(BRCA1):c.3908_3909dup (p.Glu1304fs)

Genes: BRCA1 (BRCA1 DNA repair associated; minus strand), LOC126862571 (BRD4-independent group 4 enhancer GRCh37_chr17:41243136-41244335; plus strand). Cytogenetic location: 17q21.31.
Variant type: Duplication.
Coding change: c.3908_3909dup on transcript NM_007294.4 (MANE Select); coding-DNA positions 3908 to 3909, 2 bases duplicated (TG; older notation c.3908_3909dupTG).
Protein change: p.Glu1304fs; shifts the reading frame from glutamic acid 1304.
Molecular consequence: frameshift variant. On other transcripts: intron variant (135).
Genome position (GRCh38, 1-based): chr17:43,091,622-43,091,623, CA duplicated on the plus strand (TG on the coding strand, the reverse complement: BRCA1 is on the minus strand). VCF-style (leftmost placement, unchanged base first): chr17-43091621-C-CCA. GRCh37 (hg19) VCF-style: chr17-41243638-C-CCA.
Other names: 4027insT; c.668-591_668-590dup (NM_001408431.1, NM_001408424.1, NM_001408421.1); c.785-591_785-590dup (NM_001408407.1, NM_001408402.1, NM_001408473.1 and 13 more transcripts); c.665-591_665-590dup (NM_001408443.1, NM_001408439.1, NM_001408425.1 and 12 more transcripts); c.671-591_671-590dup (NM_001408419.1, NM_001408422.1, NM_001408418.1 and 2 more transcripts); c.788-591_788-590dup (NM_001408403.1, NM_001407983.1, NM_001407975.1 and 17 more transcripts); c.791-600_791-599dup (NM_001408406.1); c.647-591_647-590dup (NM_001408456.1, NM_001408410.1, NM_001408458.1 and 11 more transcripts); and 42 more; short protein forms E1257fs, E1304fs, E1215fs, E1216fs, E1234fs, E1236fs, E1263fs, E1277fs.
Identifiers: ClinVar variation 266416 (VCV000266416.6), dbSNP rs886040174, ClinGen allele CA10589715.

ClinVar aggregate classification (germline): Pathogenic. Review status: reviewed by expert panel (3 of 4 stars). 2 submissions from 2 submitters: Pathogenic (1). 1 of the submissions does not count toward it. Last evaluated 2016-10-18.

Conditions:
Breast-ovarian cancer, familial, susceptibility to, 1 (BROVCA1). Also called: BRCA1 Hereditary Breast and Ovarian Cancer; OVARIAN CANCER, SUSCEPTIBILITY TO. Identifiers: Orphanet 145, MedGen C2676676, MONDO:0011450, OMIM 604370. Disease mechanism: loss of function.

Submissions (2):

Evidence-based Network for the Interpretation of Germline Mutant Alleles (ENIGMA)
Classification: Pathogenic for Breast-ovarian cancer, familial, susceptibility to, 1. Last evaluated: 2016-10-18. Review status: reviewed by expert panel. Criteria: ENIGMA BRCA1/2 Classification Criteria (2015). Collection method: curation. Allele origin: germline.
Comment: Variant allele predicted to encode a truncated non-functional protein.

Consortium of Investigators of Modifiers of BRCA1/2 (CIMBA), c/o University of Cambridge
Classification: Pathogenic for Breast-ovarian cancer, familial, susceptibility to, 1. Last evaluated: 2015-10-02. Review status: criteria provided, single submitter. Criteria: CIMBA Mutation Classification guidelines May 2016. Collection method: clinical testing. Allele origin: germline. Not counted in ClinVar's aggregate classification.